The following is an entry in ClinVar:

NM_001958.5(EEF1A2):c.543C>G (p.Ile181Met)

Genes: EEF1A2 (eukaryotic translation elongation factor 1 alpha 2; minus strand), LOC132090595 (Neanderthal introgressed variant-containing enhancer experimental_60987; plus strand). Cytogenetic location: 20q13.33.
Variant type: single nucleotide variant.
Coding change: c.543C>G on transcript NM_001958.5 (MANE Select); coding-DNA position 543, C replaced by G.
Protein change: p.Ile181Met; replaces isoleucine 181 with methionine.
Molecular consequence: missense variant.
Genome position (GRCh38, 1-based): chr20:63,494,883, G>C on the plus strand (C>G on the coding strand, the complement: EEF1A2 is on the minus strand). VCF-style: chr20-63494883-G-C. GRCh37 (hg19) VCF-style: chr20-62126236-G-C.
Other names: short protein forms I181M.
Identifiers: ClinVar variation 1022181 (VCV001022181.11), dbSNP rs1057115359, ClinGen allele CA409649420.
Genomic context (GRCh38, chr20:63,494,883, plus strand): 5'-CATGTTGTCACCGTGCCAGCCGGAGATGGGCACAAAGGGCACGGTGGCCGGGTTGTAGCC[G>C]ATCTTCTTGATGTAGGCGCTGACTTCCTTGACGATCTCGTCGTAGCGCTTCTCGCTGTAG-3'
Protein context (NP_001949.1, residues 171-191): VKEVSAYIKK[Ile181Met]GYNPATVPFV

ClinVar aggregate classification (germline): Uncertain significance. Review status: criteria provided, multiple submitters, no conflicts (2 of 4 stars). 3 submissions from 3 submitters: Uncertain significance (3). Last evaluated 2025-08-20.

Conditions:
EEF1A2-related disorder. Also called: EEF1A2-related disorders; EEF1A2-related condition.
Developmental and epileptic encephalopathy, 33 (DEE33). Also called: Epileptic encephalopathy, early infantile, 33. Identifiers: Orphanet 442835, MedGen C4225337, MONDO:0014625, OMIM 616409.

gnomAD v4.1: 2 of 1,612,740 alleles (0.00012%); highest among the groups gnomAD compares: African/African-American, 0.0013%; no homozygotes.

Submissions (3):

PreventionGenetics, part of Exact Sciences
Classification: Uncertain significance for EEF1A2-related condition. Last evaluated: 2025-08-20. Review status: criteria provided, single submitter. Criteria: ACMG Guidelines, 2015. Collection method: clinical testing. Allele origin: germline.
Comment: The EEF1A2 c.543C>G variant is predicted to result in the amino acid substitution p.Ile181Met. To our knowledge, this variant has not been reported in the literature or in a large population database (gnomAD), indicating this variant is rare. At this time, the clinical significance of this variant is uncertain due to the absence of conclusive functional and genetic evidence.

Labcorp Genetics (formerly Invitae), Labcorp
Classification: Uncertain significance for Developmental and epileptic encephalopathy, 33. Last evaluated: 2022-10-13. Review status: criteria provided, single submitter. Criteria: Invitae Variant Classification Sherloc (09022015). Collection method: clinical testing. Allele origin: germline.
Comment: This sequence change replaces isoleucine, which is neutral and non-polar, with methionine, which is neutral and non-polar, at codon 181 of the EEF1A2 protein (p.Ile181Met). This variant is not present in population databases (gnomAD no frequency). This variant has not been reported in the literature in individuals affected with EEF1A2-related conditions. ClinVar contains an entry for this variant (Variation ID: 1022181). Advanced modeling of protein sequence and biophysical properties (such as structural, functional, and spatial information, amino acid conservation, physicochemical variation, residue mobility, and thermodynamic stability) performed at Invitae indicates that this missense variant is not expected to disrupt EEF1A2 protein function. In summary, the available evidence is currently insufficient to determine the role of this variant in disease. Therefore, it has been classified as a Variant of Uncertain Significance.

GeneDx
Classification: Uncertain significance. Last evaluated: 2019-03-21. Review status: criteria provided, single submitter. Criteria: GeneDx Variant Classification Process June 2021. Collection method: clinical testing. Allele origin: germline. Affected: yes.
Comment: Not observed in large population cohorts (Lek et al., 2016); In silico analysis, which includes protein predictors and evolutionary conservation, supports that this variant does not alter protein structure/function; Has not been previously published as pathogenic or benign to our knowledge